The following is an entry in ClinVar:

NM_000098.3(CPT2):c.1666T>G (p.Leu556Val)

Gene: CPT2 (carnitine palmitoyltransferase 2; plus strand). Cytogenetic location: 1p32.3.
Variant type: single nucleotide variant.
Coding change: c.1666T>G on transcript NM_000098.3 (MANE Select); coding-DNA position 1666, T replaced by G.
Protein change: p.Leu556Val; replaces leucine 556 with valine.
Molecular consequence: missense variant.
Genome position (GRCh38, 1-based): chr1:53,213,284, T>G. VCF-style: chr1-53213284-T-G. GRCh37 (hg19) VCF-style: chr1-53678956-T-G.
Other names: c.1597T>G, p.Leu533Val (NM_001330589.2); short protein forms L533V, L556V.
Identifiers: ClinVar variation 2104281 (VCV002104281.5), dbSNP rs1645441574, ClinGen allele CA340397398.
Genomic context (GRCh38, chr1:53,213,284, plus strand): 5'-TCCATCCTGAGACTCTGGTTTTCCATTTTGTTTCTCACAGGCCAGGGCTTTGACCGACAC[T>G]TGTTTGCTCTGCGGCATCTGGCAGCAGCCAAAGGGATCATCTTGCCTGAGCTCTACCTGG-3'
Protein context (NP_000089.1, residues 546-566): AAMGQGFDRH[Leu556Val]FALRHLAAAK

ClinVar aggregate classification (germline): Uncertain significance. Review status: criteria provided, multiple submitters, no conflicts (2 of 4 stars). 2 submissions from 2 submitters: Uncertain significance (2). Last evaluated 2025-06-18.

Conditions:
Carnitine palmitoyltransferase II deficiency. Also called: Carnitine Palmitoyltransferase 2 Deficiency. Identifiers: Orphanet 157, MedGen C0342790, MONDO:0015515.

Allele frequency attached by ClinVar (database versions not stated): TOPMed below 0.00001.

Submissions (2):

Greenwood Genetic Center Diagnostic Laboratories, Greenwood Genetic Center
Classification: Uncertain significance. Last evaluated: 2025-06-18. Review status: criteria provided, single submitter. Criteria: ACMG Guidelines, 2015. Collection method: clinical testing. Allele origin: germline. Affected: yes.
Comment: PM2, PP3

Labcorp Genetics (formerly Invitae), Labcorp
Classification: Uncertain significance for Carnitine palmitoyltransferase II deficiency. Last evaluated: 2022-03-20. Review status: criteria provided, single submitter. Criteria: Invitae Variant Classification Sherloc (09022015). Collection method: clinical testing. Allele origin: germline.
Comment: Advanced modeling of protein sequence and biophysical properties (such as structural, functional, and spatial information, amino acid conservation, physicochemical variation, residue mobility, and thermodynamic stability) performed at Invitae indicates that this missense variant is expected to disrupt CPT2 protein function. This sequence change replaces leucine, which is neutral and non-polar, with valine, which is neutral and non-polar, at codon 556 of the CPT2 protein (p.Leu556Val). This variant is not present in population databases (gnomAD no frequency). This variant has not been reported in the literature in individuals affected with CPT2-related conditions. In summary, the available evidence is currently insufficient to determine the role of this variant in disease. Therefore, it has been classified as a Variant of Uncertain Significance.